The following is an entry in ClinVar:

ClinVar aggregate classification (germline): Uncertain significance (1 of 4 stars; one submission).

Submission:

Women's Health and Genetics/Laboratory Corporation of America, LabCorp
Classification: Uncertain significance. Last evaluated: 2023-11-13. Review status: criteria provided, single submitter. Criteria: LabCorp Variant Classification Summary - May 2015. Collection method: clinical testing. Allele origin: germline.
Comment: Variant summary: The variant identified by MLPA or other technology involves the duplication of exons 6-16 in the TERT gene. A presumed nomenclature of c.(2130+1_2131-1)_(*562_?)dup has been designated for the purposes of this classification. It has been assumed that this is a tandem duplication in direct orientation (Richardson_GIM_2018, Newman_AJHG_2015). Although exact breakpoints of this duplication are not known, it is expected to result in a large duplication change in the TERT gene. The variant was absent in 21694 control chromosomes (gnomAD). The available data on variant occurrences in the general population are insufficient to allow any conclusion about variant significance. To our knowledge, no occurrence of c.(2130+1_2131-1)_(*562_?)dup in individuals affected with TERT-Related Disorders and no experimental evidence demonstrating its impact on protein function have been reported. No submitters have cited clinical-significance assessments for this variant to ClinVar after 2014. Based on the evidence outlined above, the variant was classified as uncertain significance.

NC_000005.9:g.(?_1253281)_(1278912_1279405)dup

Gene: TERT (telomerase reverse transcriptase; minus strand). Cytogenetic location: 5p15.33.
Variant type: Duplication.
Identifiers: ClinVar variation 2682497 (VCV002682497.1).